The following is an entry in ClinVar:

NM_016156.6(MTMR2):c.1876T>A (p.Ser626Thr)

Gene: MTMR2 (myotubularin related protein 2; minus strand). Cytogenetic location: 11q21.
Variant type: single nucleotide variant.
Coding change: c.1876T>A on transcript NM_016156.6 (MANE Select); coding-DNA position 1876, T replaced by A.
Protein change: p.Ser626Thr; replaces serine 626 with threonine.
Molecular consequence: missense variant.
Genome position (GRCh38, 1-based): chr11:95,835,346, A>T on the plus strand (T>A on the coding strand, the complement: MTMR2 is on the minus strand). VCF-style: chr11-95835346-A-T. GRCh37 (hg19) VCF-style: chr11-95568510-A-T.
Other names: c.1660T>A, p.Ser554Thr (NM_001243571.2, NM_201278.3, NM_201281.3); short protein forms S554T, S626T.
Identifiers: ClinVar variation 2101436 (VCV002101436.4), dbSNP rs2496389512, ClinGen allele CA382412541.
Genomic context (GRCh38, chr11:95,835,346, plus strand): 5'-TCCTTTATACAACAGTTTGGACAGGAGTGACACACTGTGCAGGAGAGCTGGCTCTCTCTG[A>T]GGATGAGGTTGATCGGTTAGAAATCTCTCTCTGTAGTTCCTCTACTTTTTTCTGAAGCTC-3'
Protein context (NP_057240.3, residues 616-636): REISNRSTSS[Ser626Thr]ERASSPAQCV

ClinVar aggregate classification (germline): Uncertain significance (1 of 4 stars; one submission).

Conditions:
Charcot-Marie-Tooth disease type 4. Also called: Charcot-Marie-Tooth disease, type IV; Charcot-Marie-Tooth, Type 4. Identifiers: Orphanet 64749, MedGen C4082197, MONDO:0018995.

Submission:

Labcorp Genetics (formerly Invitae), Labcorp
Classification: Uncertain significance for Charcot-Marie-Tooth disease type 4. Last evaluated: 2022-02-22. Review status: criteria provided, single submitter. Criteria: Invitae Variant Classification Sherloc (09022015). Collection method: clinical testing. Allele origin: germline.
Comment: This variant has not been reported in the literature in individuals affected with MTMR2-related conditions. In summary, the available evidence is currently insufficient to determine the role of this variant in disease. Therefore, it has been classified as a Variant of Uncertain Significance. Advanced modeling of protein sequence and biophysical properties (such as structural, functional, and spatial information, amino acid conservation, physicochemical variation, residue mobility, and thermodynamic stability) performed at Invitae indicates that this missense variant is not expected to disrupt MTMR2 protein function. This variant is not present in population databases (gnomAD no frequency). This sequence change replaces serine, which is neutral and polar, with threonine, which is neutral and polar, at codon 626 of the MTMR2 protein (p.Ser626Thr).